The following is an entry in ClinVar:

ClinVar aggregate classification (germline): Uncertain significance. Review status: criteria provided, multiple submitters, no conflicts (2 of 4 stars). 2 submissions from 2 submitters: Uncertain significance (2). Last evaluated 2025-10-07.

Conditions:
Inborn genetic diseases. Identifiers: MedGen C0950123, MeSH D030342.

Allele frequency attached by ClinVar (database versions not stated): ExAC 0.00002; gnomAD exomes below 0.00001; TOPMed 0.00002; gnomAD 0.00001.
gnomAD v4.1: 10 of 1,614,110 alleles (0.00062%); highest among the groups gnomAD compares: African/African-American, 0.0053%; no homozygotes.

Submissions (2):

Ambry Genetics
Classification: Uncertain significance for Inborn genetic diseases. Last evaluated: 2025-10-07. Review status: criteria provided, single submitter. Criteria: Ambry Variant Classification Scheme 2023. Collection method: clinical testing. Allele origin: germline.

Labcorp Genetics (formerly Invitae), Labcorp
Classification: Uncertain significance. Last evaluated: 2022-01-16. Review status: criteria provided, single submitter. Criteria: Invitae Variant Classification Sherloc (09022015). Collection method: clinical testing. Allele origin: germline.
Comment: This sequence change replaces isoleucine, which is neutral and non-polar, with valine, which is neutral and non-polar, at codon 139 of the WDR62 protein (p.Ile139Val). This variant is present in population databases (rs756586205, gnomAD 0.02%). This variant has not been reported in the literature in individuals affected with WDR62-related conditions. Algorithms developed to predict the effect of missense changes on protein structure and function (SIFT, PolyPhen-2, Align-GVGD) all suggest that this variant is likely to be tolerated. In summary, the available evidence is currently insufficient to determine the role of this variant in disease. Therefore, it has been classified as a Variant of Uncertain Significance.

NM_001083961.2(WDR62):c.415A>G (p.Ile139Val)

Gene: WDR62 (WD repeat domain 62; plus strand). Cytogenetic location: 19q13.12.
Variant type: single nucleotide variant.
Coding change: c.415A>G on transcript NM_001083961.2 (MANE Select); coding-DNA position 415, A replaced by G.
Protein change: p.Ile139Val; replaces isoleucine 139 with valine.
Molecular consequence: missense variant.
Genome position (GRCh38, 1-based): chr19:36,066,281, A>G. VCF-style: chr19-36066281-A-G. GRCh37 (hg19) VCF-style: chr19-36557183-A-G.
Other names: c.415A>G, p.Ile139Val (NM_001411145.1, NM_001411146.1, NM_001411147.1 and 1 more transcripts); c.415A>G (NM_001083961.1); short protein forms I139V.
Identifiers: ClinVar variation 1936930 (VCV001936930.3), dbSNP rs756586205, ClinGen allele CA9395288.